The following is an entry in ClinVar:

ClinVar aggregate classification (germline): Uncertain significance. Review status: criteria provided, multiple submitters, no conflicts (2 of 4 stars). 3 submissions from 3 submitters: Uncertain significance (3). Last evaluated 2024-05-11.

Conditions:
Ataxia-telangiectasia syndrome (AT). Also called: Ataxia-telangiectasia, complementation group D; AT, COMPLEMENTATION GROUP C; ATAXIA-TELANGIECTASIA, FRESNO VARIANT; ATAXIA-TELANGIECTASIA, COMPLEMENTATION GROUP A; Ataxia-telangiectasia, complementation group E; Ataxia telangiectasia (A-T). Identifiers: Orphanet 100, MedGen C0004135, MONDO:0008840, OMIM 208900.
Hereditary cancer-predisposing syndrome. Also called: Neoplastic Syndromes, Hereditary; Hereditary neoplastic syndrome; Hereditary Cancer Syndrome; Tumor predisposition. Identifiers: Orphanet 140162, MedGen C0027672, MeSH D009386, MONDO:0015356.

Submissions (3):

Ambry Genetics
Classification: Uncertain significance for Hereditary cancer-predisposing syndrome. Last evaluated: 2024-05-11. Review status: criteria provided, single submitter. Criteria: Ambry Variant Classification Scheme 2023. Collection method: clinical testing. Allele origin: germline.
Comment: The p.Q163H variant (also known as c.489G>T), located in coding exon 4 of the ATM gene, results from a G to T substitution at nucleotide position 489. The glutamine at codon 163 is replaced by histidine, an amino acid with highly similar properties. This amino acid position is conserved. In addition, this alteration is predicted to be tolerated by in silico analysis. Based on the available evidence, the clinical significance of this variant remains unclear.

Labcorp Genetics (formerly Invitae), Labcorp
Classification: Uncertain significance for Ataxia-telangiectasia syndrome. Last evaluated: 2022-06-01. Review status: criteria provided, single submitter. Criteria: Invitae Variant Classification Sherloc (09022015). Collection method: clinical testing. Allele origin: germline.
Comment: In summary, the available evidence is currently insufficient to determine the role of this variant in disease. Therefore, it has been classified as a Variant of Uncertain Significance. Advanced modeling of protein sequence and biophysical properties (such as structural, functional, and spatial information, amino acid conservation, physicochemical variation, residue mobility, and thermodynamic stability) performed at Invitae indicates that this missense variant is not expected to disrupt ATM protein function. ClinVar contains an entry for this variant (Variation ID: 992245). This variant has not been reported in the literature in individuals affected with ATM-related conditions. This variant is not present in population databases (gnomAD no frequency). This sequence change replaces glutamine, which is neutral and polar, with histidine, which is basic and polar, at codon 163 of the ATM protein (p.Gln163His).

Women's Health and Genetics/Laboratory Corporation of America, LabCorp
Classification: Uncertain significance. Last evaluated: 2020-12-11. Review status: criteria provided, single submitter. Criteria: LabCorp Variant Classification Summary - May 2015. Collection method: clinical testing. Allele origin: germline.
Comment: Variant summary: ATM c.489G>T (p.Gln163His) results in a non-conservative amino acid change located in the Telomere-length maintenance and DNA damage repair domain (IPR021668) of the encoded protein sequence. Three of five in-silico tools predict a benign effect of the variant on protein function. The variant was absent in 251304 control chromosomes (gnomAD). The available data on variant occurrences in the general population are insufficient to allow any conclusion about variant significance. To our knowledge, no occurrence of c.489G>T in individuals affected with Breast Cancer and no experimental evidence demonstrating its impact on protein function have been reported. Co-occurrence with another likely pathogenic variant has been reported (PTEN c.395G>A, p.Gly132Asp) in our internal database, providing supporting evidence for a benign role. No clinical diagnostic laboratories have submitted clinical-significance assessments for this variant to ClinVar after 2014. Based on the evidence outlined above, the variant was classified as uncertain significance.

NM_000051.4(ATM):c.489G>T (p.Gln163His)

Gene: ATM (ATM serine/threonine kinase; plus strand). Cytogenetic location: 11q22.3.
Variant type: single nucleotide variant.
Coding change: c.489G>T on transcript NM_000051.4 (MANE Select); coding-DNA position 489, G replaced by T.
Protein change: p.Gln163His; replaces glutamine 163 with histidine.
Molecular consequence: missense variant.
Genome position (GRCh38, 1-based): chr11:108,235,827, G>T. VCF-style: chr11-108235827-G-T. GRCh37 (hg19) VCF-style: chr11-108106554-G-T.
Other names: c.489G>T, p.Gln163His (NM_001351834.2); short protein forms Q163H.
Identifiers: ClinVar variation 992245 (VCV000992245.9), dbSNP rs1057523087, ClinGen allele CA382525722.
Genomic context (GRCh38, chr11:108,235,827, plus strand): 5'-CATACTACTCAAAGACATTCTTTCTGTGAGAAAATACTGGTGTGAAATATCTCAGCAACA[G>T]TGGTTAGGTATGTTTTGAAGGTTGTTGTTTGTGAATTTTTCCTCATGAAATGAAACTTCA-3'
Protein context (NP_000042.3, residues 153-173): RKYWCEISQQ[Gln163His]WLELFSVYFR